The following is an entry in ClinVar:

NM_001382567.1(STIM1):c.383A>T (p.Glu128Val)

Gene: STIM1 (stromal interaction molecule 1; plus strand). Cytogenetic location: 11p15.4.
Variant type: single nucleotide variant.
Coding change: c.383A>T on transcript NM_001382567.1 (MANE Select); coding-DNA position 383, A replaced by T.
Protein change: p.Glu128Val; replaces glutamic acid 128 with valine.
Molecular consequence: missense variant. On other transcripts: 5 prime UTR variant (2), non-coding transcript variant (3).
Genome position (GRCh38, 1-based): chr11:4,023,985, A>T. VCF-style: chr11-4023985-A-T. GRCh37 (hg19) VCF-style: chr11-4045215-A-T.
Other names: c.383A>T, p.Glu128Val (NM_001277961.3, NM_001277962.2, NM_001382568.1 and 3 more transcripts); c.161A>T, p.Glu54Val (NM_001382566.1, NM_001382573.1, NM_001382574.1 and 5 more transcripts); c.248A>T, p.Glu83Val (NM_001382569.1); c.-107A>T (NM_001382580.1, NM_001382581.1); c.15A>T, p.Arg5Ser (NM_001382571.1); short protein forms E54V, R5S, E128V, E83V.
Identifiers: ClinVar variation 1363361 (VCV001363361.8), dbSNP rs2136019150, ClinGen allele CA379485413.
Genomic context (GRCh38, chr11:4,023,985, plus strand): 5'-TCCATGGTGAGGATAAGCTCATCAGCGTGGAGGACCTGTGGAAGGCATGGAAGTCATCAG[A>T]AGGTAATAGGCAGCCTGGTCATCAATCCTAGTTGTGGGAAGGTTTAGAGAAGAGAGAAGC-3'
Protein context (NP_001369496.1, residues 118-138): EDLWKAWKSS[Glu128Val]VYNWTVDEVV

ClinVar aggregate classification (germline): Uncertain significance (1 of 4 stars; one submission).

Conditions:
Combined immunodeficiency due to STIM1 deficiency. Also called: STIM1 DEFICIENCY; IMMUNODEFICIENCY 10. Identifiers: Orphanet 169090, Orphanet 317430, MedGen C2748557, MONDO:0013008, OMIM 612783.
Myopathy with tubular aggregates (TAM). Also called: Tubular Aggregate Myopathy. Identifiers: Orphanet 2593, MedGen C0410207, MONDO:0008051.
Stormorken syndrome (STRMK). Also called: THROMBOCYTOPATHY, ASPLENIA, AND MIOSIS. Identifiers: Orphanet 3204, MedGen C1861451, MONDO:0008497, OMIM 185070.

Submission:

Labcorp Genetics (formerly Invitae), Labcorp
Classification: Uncertain significance for Myopathy with tubular aggregates; Combined immunodeficiency due to STIM1 deficiency; Stormorken syndrome. Last evaluated: 2021-04-25. Review status: criteria provided, single submitter. Criteria: Invitae Variant Classification Sherloc (09022015). Collection method: clinical testing. Allele origin: germline.
Comment: This sequence change replaces glutamic acid with valine at codon 128 of the STIM1 protein (p.Glu128Val). The glutamic acid residue is highly conserved and there is a moderate physicochemical difference between glutamic acid and valine. This variant is not present in population databases (ExAC no frequency). This variant has not been reported in the literature in individuals with STIM1-related conditions. Algorithms developed to predict the effect of missense changes on protein structure and function (SIFT, PolyPhen-2, Align-GVGD) all suggest that this variant is likely to be tolerated, but these predictions have not been confirmed by published functional studies and their clinical significance is uncertain. Algorithms developed to predict the effect of sequence changes on RNA splicing suggest that this variant may create or strengthen a splice site, but this prediction has not been confirmed by published transcriptional studies. In summary, the available evidence is currently insufficient to determine the role of this variant in disease. Therefore, it has been classified as a Variant of Uncertain Significance.